The following is an entry in ClinVar:

ClinVar aggregate classification (germline): Conflicting classifications of pathogenicity. Review status: criteria provided, conflicting classifications (1 of 4 stars). 6 submissions from 6 submitters: Likely pathogenic (2); Uncertain significance (4). Last evaluated 2026-08-12.

Conditions:
Short-rib thoracic dysplasia 10 with or without polydactyly (SRTD10). Identifiers: Orphanet 474, MedGen C3810175, MONDO:0014284, OMIM 615630.
IFT172-related disorder. Also called: IFT172-related disorders; IFT172-related condition.
Bardet-Biedl syndrome 20. Identifiers: MedGen C4310707, MONDO:0023670, OMIM 619471, MONDO:0014926.
Retinitis pigmentosa 71 (RP71). Identifiers: Orphanet 791, MedGen C4225342, MONDO:0014618, OMIM 616394.

Allele frequency attached by ClinVar (database versions not stated): TOPMed 0.00005; gnomAD 0.00006 and 0.00007; gnomAD exomes 0.00008 and 0.00009; ExAC 0.00009; ESP Exome Variant Server 0.00015.
gnomAD v4.1: 128 of 1,614,050 alleles (0.0079%); highest among the groups gnomAD compares: Non-Finnish European, 0.01%; no homozygotes.

Submissions (6):

PreventionGenetics, part of Exact Sciences
Classification: Uncertain significance for IFT172-related condition. Last evaluated: 2026-08-12. Review status: criteria provided, single submitter. Criteria: ACMG Guidelines, 2015. Collection method: clinical testing. Allele origin: germline.
Comment: The IFT172 c.1445T>G variant is predicted to result in the amino acid substitution p.Val482Gly. This variant was reported in the compound heterozygous state in an individual with clinical features of Senior-Loken syndrome (Table S2, Jayasinghe et al. 2021. PubMed ID: 32939031). This variant is reported in 0.016% of alleles in individuals of European (non-Finnish) descent in gnomAD. At this time, the clinical significance of this variant is uncertain due to the absence of conclusive functional and genetic evidence.

GeneDx
Classification: Uncertain significance. Last evaluated: 2026-01-23. Review status: criteria provided, single submitter. Criteria: GeneDx Variant Classification Process June 2021. Collection method: clinical testing. Allele origin: germline.
Comment: In silico analysis supports that this missense variant has a deleterious effect on protein structure/function; This variant is associated with the following publications: (PMID: 32939031)

Blueprint Genetics
Classification: Likely pathogenic for IFT172-related disorders. Last evaluated: 2024-10-28. Review status: criteria provided, single submitter. Criteria: ACMG Guidelines, 2015. Collection method: clinical testing. Allele origin: germline. Affected: yes. Observed: 5 variant alleles.

Fulgent Genetics
Classification: Uncertain significance for Short-rib thoracic dysplasia 10 with or without polydactyly; Retinitis pigmentosa 71; Bardet-Biedl syndrome 20. Last evaluated: 2024-06-18. Review status: criteria provided, single submitter. Criteria: ACMG Guidelines, 2015. Collection method: clinical testing. Allele origin: germline.

Labcorp Genetics (formerly Invitae), Labcorp
Classification: Uncertain significance for Retinitis pigmentosa 71; Short-rib thoracic dysplasia 10 with or without polydactyly. Last evaluated: 2022-08-19. Review status: criteria provided, single submitter. Criteria: Invitae Variant Classification Sherloc (09022015). Collection method: clinical testing. Allele origin: germline.
Comment: This sequence change replaces valine, which is neutral and non-polar, with glycine, which is neutral and non-polar, at codon 482 of the IFT172 protein (p.Val482Gly). This variant is present in population databases (rs61740250, gnomAD 0.02%). This missense change has been observed in individual(s) with IFT172-related conditions (PMID: 32939031; Invitae). ClinVar contains an entry for this variant (Variation ID: 975059). Algorithms developed to predict the effect of missense changes on protein structure and function are either unavailable or do not agree on the potential impact of this missense change (SIFT: "Deleterious"; PolyPhen-2: "Possibly Damaging"; Align-GVGD: "Class C0"). In summary, the available evidence is currently insufficient to determine the role of this variant in disease. Therefore, it has been classified as a Variant of Uncertain Significance.

Victorian Clinical Genetics Services, Murdoch Childrens Research Institute
Classification: Likely pathogenic for Short-rib thoracic dysplasia 10 with or without polydactyly. Last evaluated: 2018-07-27. Review status: criteria provided, single submitter. Criteria: ACMG Guidelines, 2015. Collection method: clinical testing. Allele origin: unknown. Affected: yes.
Comment: A heterozygous missense variant, NM_015662.1(IFT172):c.1445T>G, has been identified in exon 15 of 48 of the IFT172 gene. The variant is predicted to result in a major amino acid change from valine to glycine at position 482 of the protein (NP_056477.1(IFT172):p.(Val482Gly)). The valine at this position has low conservation (100 vertebrates, UCSC), and is not located within a well established functional domain. In silico predictions for this variant are consistently pathogenic (Polyphen, SIFT, CADD, Mutation Taster). The variant is present in the gnomAD database at a frequency of 0.009% (25 heterozygotes and 0 homozygotes), but has not been previously reported in clinical cases. The presence of these two variants suggests a possible compound heterozygous mode of inheritance which is consistent with short-rib thoracic dysplasia 10 with or without polydactyly. Based on current information, this variant has been classified as LIKELY PATHOGENIC. NB: This variant has been reclassified to likely pathogenic due to confirmation of autosomal recessive inheritance.

Literature cited by the submitters: PubMed 32939031 (cited by Labcorp Genetics (formerly Invitae), Labcorp).

NM_015662.3(IFT172):c.1445T>G (p.Val482Gly)

Gene: IFT172 (intraflagellar transport 172; minus strand). Cytogenetic location: 2p23.3.
Variant type: single nucleotide variant.
Coding change: c.1445T>G on transcript NM_015662.3 (MANE Select); coding-DNA position 1445, T replaced by G.
Protein change: p.Val482Gly; replaces valine 482 with glycine.
Molecular consequence: missense variant.
Genome position (GRCh38, 1-based): chr2:27,472,329, A>C on the plus strand (T>G on the coding strand, the complement: IFT172 is on the minus strand). VCF-style: chr2-27472329-A-C. GRCh37 (hg19) VCF-style: chr2-27695196-A-C.
Other names: c.1445T>G (NM_015662.2); short protein forms V482G.
Identifiers: ClinVar variation 975059 (VCV000975059.12), dbSNP rs61740250, ClinGen allele CA1580642.